The following is an entry in ClinVar:

NM_006996.3(SLC19A2):c.1224-2A>T

Gene: SLC19A2 (solute carrier family 19 member 2; minus strand). Cytogenetic location: 1q24.2.
Variant type: single nucleotide variant.
Coding change: c.1224-2A>T on transcript NM_006996.3 (MANE Select); the canonical splice acceptor site of the intron before coding-DNA position 1224, A replaced by T.
Molecular consequence: splice acceptor variant.
Genome position (GRCh38, 1-based): chr1:169,468,254, T>A on the plus strand (A>T on the coding strand, the complement: SLC19A2 is on the minus strand). VCF-style: chr1-169468254-T-A. GRCh37 (hg19) VCF-style: chr1-169437492-T-A.
Other names: c.621-2A>T (NM_001319667.1).
Identifiers: ClinVar variation 3639158 (VCV003639158.2).

ClinVar aggregate classification (germline): Likely pathogenic (1 of 4 stars; one submission).

Submission:

Labcorp Genetics (formerly Invitae), Labcorp
Classification: Likely pathogenic. Last evaluated: 2024-02-06. Review status: criteria provided, single submitter. Criteria: Invitae Variant Classification Sherloc (09022015). Collection method: clinical testing. Allele origin: germline.
Comment: This sequence change affects an acceptor splice site in intron 4 of the SLC19A2 gene. It is expected to disrupt RNA splicing. Variants that disrupt the donor or acceptor splice site typically lead to a loss of protein function (PMID: 16199547), and loss-of-function variants in SLC19A2 are known to be pathogenic (PMID: 10391221, 10391223, 10874303). This variant is not present in population databases (gnomAD no frequency). This variant has not been reported in the literature in individuals affected with SLC19A2-related conditions. Algorithms developed to predict the effect of sequence changes on RNA splicing suggest that this variant may disrupt the consensus splice site. In summary, the currently available evidence indicates that the variant is pathogenic, but additional data are needed to prove that conclusively. Therefore, this variant has been classified as Likely Pathogenic.

Literature cited by the submitters: PubMed 16199547; PubMed 10391221; PubMed 10391223; PubMed 10874303.